The following is an entry in ClinVar:

NM_000235.4(LIPA):c.*1187C>A

Gene: LIPA (lipase A, lysosomal acid type; minus strand). Cytogenetic location: 10q23.31.
Variant type: single nucleotide variant.
Coding change: c.*1187C>A on transcript NM_000235.4 (MANE Select); 1187 bases downstream of the stop codon, C replaced by A.
Molecular consequence: 3 prime UTR variant.
Genome position (GRCh38, 1-based): chr10:89,213,641, G>T on the plus strand (C>A on the coding strand, the complement: LIPA is on the minus strand). VCF-style: chr10-89213641-G-T. GRCh37 (hg19) VCF-style: chr10-90973398-G-T.
Other names: c.*1187C>A (NM_001127605.3, NM_001288979.2).
Identifiers: ClinVar variation 301548 (VCV000301548.7), dbSNP rs78931290, ClinGen allele CA10636852.
Genomic context (GRCh38, chr10:89,213,641, plus strand): 5'-ATAAGTCTCACTCAATTTTATTGAAAAGTTTAAGACTTTAAAAGTTACAAAGTAGTATTC[G>T]CCCTGCCTATATTAACCATTAACAAGCATTGTACTGTTAGTGCAGCTAAAGTAATTATAT-3'

ClinVar aggregate classification (germline): Benign (1 of 4 stars; one submission).

Conditions:
Lysosomal acid lipase deficiency. Also called: Acid cholesteryl ester hydrolase deficiency, type 2. Identifiers: Orphanet 275761, MedGen C5574740, MONDO:0800449, MONDO:0010204.

Allele frequency attached by ClinVar (database versions not stated): gnomAD 0.02666 and 0.02896; TOPMed 0.03010; 1000 Genomes Project 0.02815; 1000 Genomes Project 30x 0.03029.

Submission:

Illumina Laboratory Services, Illumina
Classification: Benign for Cholesteryl ester storage disease. Last evaluated: 2018-01-12. Review status: criteria provided, single submitter. Criteria: ICSL Variant Classification Criteria 13 December 2019. Collection method: clinical testing. Allele origin: germline.
Comment: This variant was observed in the ICSL laboratory as part of a predisposition screen in an ostensibly healthy population. It had not been previously curated by ICSL or reported in the Human Gene Mutation Database (HGMD: prior to June 1st, 2018), and was therefore a candidate for classification through an automated scoring system. Utilizing variant allele frequency, disease prevalence and penetrance estimates, and inheritance mode, an automated score was calculated to assess if this variant is too frequent to cause the disease. Based on the score and internal cut-off values, a variant classified as benign is not then subjected to further curation. The score for this variant resulted in a classification of benign for this disease.